The following is an entry in ClinVar:

NM_006096.4(NDRG1):c.1156G>A (p.Gly386Arg)

Gene: NDRG1 (N-myc downstream regulated 1; minus strand). Cytogenetic location: 8q24.22.
Variant type: single nucleotide variant.
Coding change: c.1156G>A on transcript NM_006096.4 (MANE Select); coding-DNA position 1156, G replaced by A.
Protein change: p.Gly386Arg; replaces glycine 386 with arginine.
Molecular consequence: missense variant.
Genome position (GRCh38, 1-based): chr8:133,238,907, C>T on the plus strand (G>A on the coding strand, the complement: NDRG1 is on the minus strand). VCF-style: chr8-133238907-C-T. GRCh37 (hg19) VCF-style: chr8-134251150-C-T.
Other names: c.1156G>A, p.Gly386Arg (NM_001135242.2, NM_001374845.1, NM_001374846.1); c.958G>A, p.Gly320Arg (NM_001258432.2, NM_001374847.1); c.913G>A, p.Gly305Arg (NM_001258433.2); c.1207G>A, p.Gly403Arg (NM_001374844.1); short protein forms G386R, G403R, G305R, G320R.
Identifiers: ClinVar variation 967473 (VCV000967473.8), dbSNP rs768918074, ClinGen allele CA4886407.

ClinVar aggregate classification (germline): Uncertain significance. Review status: criteria provided, multiple submitters, no conflicts (2 of 4 stars). 3 submissions from 3 submitters: Uncertain significance (2). 1 of the submissions does not count toward it. Last evaluated 2022-04-05.

Conditions:
Inborn genetic diseases. Identifiers: MedGen C0950123, MeSH D030342.
Charcot-Marie-Tooth disease type 4. Also called: Charcot-Marie-Tooth disease, type IV; Charcot-Marie-Tooth, Type 4. Identifiers: Orphanet 64749, MedGen C4082197, MONDO:0018995.
Charcot-Marie-Tooth disease type 4D. Also called: CHARCOT-MARIE-TOOTH DISEASE, DEMYELINATING, TYPE 4D; NEUROPATHY, HEREDITARY MOTOR AND SENSORY, LOM TYPE; CHARCOT-MARIE-TOOTH DISEASE, DEMYELINATING, AUTOSOMAL RECESSIVE, TYPE 4D; Charcot-Marie-Tooth Neuropathy Type 4D. Identifiers: Orphanet 99950, MedGen C1832334, MONDO:0011085, OMIM 601455.

Allele frequency attached by ClinVar (database versions not stated): ExAC below 0.00001; gnomAD exomes 0.00002 and 0.00003; TOPMed 0.00005.
gnomAD v4.1: 49 of 1,558,072 alleles (0.0031%); highest among the groups gnomAD compares: African/African-American, 0.0054%; no homozygotes.

Submissions (3):

Labcorp Genetics (formerly Invitae), Labcorp
Classification: Uncertain significance for Charcot-Marie-Tooth disease type 4. Last evaluated: 2022-04-05. Review status: criteria provided, single submitter. Criteria: Invitae Variant Classification Sherloc (09022015). Collection method: clinical testing. Allele origin: germline.
Comment: This sequence change replaces glycine, which is neutral and non-polar, with arginine, which is basic and polar, at codon 386 of the NDRG1 protein (p.Gly386Arg). This variant is present in population databases (rs768918074, gnomAD 0.004%). This variant has not been reported in the literature in individuals affected with NDRG1-related conditions. ClinVar contains an entry for this variant (Variation ID: 967473). Algorithms developed to predict the effect of missense changes on protein structure and function (SIFT, PolyPhen-2, Align-GVGD) all suggest that this variant is likely to be tolerated. In summary, the available evidence is currently insufficient to determine the role of this variant in disease. Therefore, it has been classified as a Variant of Uncertain Significance.

Ambry Genetics
Classification: Uncertain significance for Inborn genetic diseases. Last evaluated: 2022-01-31. Review status: criteria provided, single submitter. Criteria: Ambry Variant Classification Scheme 2023. Collection method: clinical testing. Allele origin: germline.

Natera, Inc.
Classification: Uncertain significance for Charcot-Marie-Tooth disease type 4D. Last evaluated: 2020-06-22. Review status: no assertion criteria provided. Collection method: clinical testing. Allele origin: germline. Not counted in ClinVar's aggregate classification.